The following is an entry in ClinVar:

NM_001256789.3(CACNA1F):c.5597G>A (p.Cys1866Tyr)

Gene: CACNA1F (calcium voltage-gated channel subunit alpha1 F; minus strand). Cytogenetic location: Xp11.23.
Variant type: single nucleotide variant.
Coding change: c.5597G>A on transcript NM_001256789.3 (MANE Select); coding-DNA position 5597, G replaced by A.
Protein change: p.Cys1866Tyr; replaces cysteine 1866 with tyrosine.
Molecular consequence: missense variant.
Genome position (GRCh38, 1-based): chrX:49,205,689, C>T on the plus strand (G>A on the coding strand, the complement: CACNA1F is on the minus strand). VCF-style: chrX-49205689-C-T. GRCh37 (hg19) VCF-style: chrX-49062149-C-T.
Other names: c.5435G>A, p.Cys1812Tyr (NM_001256790.3); c.5630G>A, p.Cys1877Tyr (NM_005183.4); short protein forms C1812Y, C1877Y, C1866Y.
Identifiers: ClinVar variation 3694147 (VCV003694147.2).

ClinVar aggregate classification (germline): Uncertain significance (1 of 4 stars; one submission).

gnomAD v4.1: 1 of 1,203,453 alleles (0.000083%); highest among the groups gnomAD compares: Non-Finnish European, 0.00011%; no homozygotes.

Submission:

Labcorp Genetics (formerly Invitae), Labcorp
Classification: Uncertain significance. Last evaluated: 2025-09-02. Review status: criteria provided, single submitter. Criteria: Invitae Variant Classification Sherloc (09022015). Collection method: clinical testing. Allele origin: germline.
Comment: This sequence change replaces cysteine, which is neutral and slightly polar, with tyrosine, which is neutral and polar, at codon 1877 of the CACNA1F protein (p.Cys1877Tyr). The frequency data for this variant in the population databases is considered unreliable, as metrics indicate poor data quality at this position in the gnomAD database. This variant has not been reported in the literature in individuals affected with CACNA1F-related conditions. ClinVar contains an entry for this variant (Variation ID: 3694147). An algorithm developed to predict the effect of missense changes on protein structure and function (PolyPhen-2) suggests that this variant is likely to be tolerated. In summary, the available evidence is currently insufficient to determine the role of this variant in disease. Therefore, it has been classified as a Variant of Uncertain Significance.